The following is an entry in ClinVar:

NM_001378454.1(ALMS1):c.142G>A (p.Glu48Lys)

Gene: ALMS1 (ALMS1 centrosome and basal body associated protein; plus strand). Cytogenetic location: 2p13.1.
Variant type: single nucleotide variant.
Coding change: c.142G>A on transcript NM_001378454.1 (MANE Select); coding-DNA position 142, G replaced by A.
Protein change: p.Glu48Lys; replaces glutamic acid 48 with lysine.
Molecular consequence: missense variant.
Genome position (GRCh38, 1-based): chr2:73,386,010, G>A. VCF-style: chr2-73386010-G-A. GRCh37 (hg19) VCF-style: chr2-73613138-G-A.
Other names: c.145G>A, p.Glu49Lys (NM_015120.4); short protein forms E48K, E49K.
Identifiers: ClinVar variation 1399133 (VCV001399133.3), dbSNP rs751415466, ClinGen allele CA1712749.

ClinVar aggregate classification (germline): Uncertain significance. Review status: criteria provided, multiple submitters, no conflicts (2 of 4 stars). 2 submissions from 2 submitters: Uncertain significance (2). Last evaluated 2023-05-31.

Conditions:
Alstrom syndrome (ALMS). Identifiers: Orphanet 64, MedGen C0268425, MONDO:0008763, OMIM 203800.

Allele frequency attached by ClinVar (database versions not stated): gnomAD 0.00001; gnomAD exomes 0.00001; ExAC 0.00005.
gnomAD v4.1: 2 of 1,560,448 alleles (0.00013%); highest among the groups gnomAD compares: East Asian, 0.0024%; no homozygotes.

Submissions (2):

GeneDx
Classification: Uncertain significance. Last evaluated: 2023-05-31. Review status: criteria provided, single submitter. Criteria: GeneDx Variant Classification Process June 2021. Collection method: clinical testing. Allele origin: germline. Affected: yes.
Comment: In silico analysis supports that this missense variant does not alter protein structure/function; Has not been previously published as pathogenic or benign to our knowledge

Labcorp Genetics (formerly Invitae), Labcorp
Classification: Uncertain significance for Alstrom syndrome. Last evaluated: 2022-07-12. Review status: criteria provided, single submitter. Criteria: Invitae Variant Classification Sherloc (09022015). Collection method: clinical testing. Allele origin: germline.
Comment: This sequence change replaces glutamic acid with lysine at codon 49 of the ALMS1 protein (p.Glu49Lys). The glutamic acid residue is moderately conserved and there is a small physicochemical difference between glutamic acid and lysine. This variant is present in population databases (rs751415466, gnomAD 0.009%). This variant has not been reported in the literature in individuals affected with ALMS1-related conditions. ClinVar contains an entry for this variant (Variation ID: 1399133). In summary, the available evidence is currently insufficient to determine the role of this variant in disease. Therefore, it has been classified as a Variant of Uncertain Significance.